The following is an entry in ClinVar:

ClinVar aggregate classification (germline): Likely benign. Review status: criteria provided, multiple submitters, no conflicts (2 of 4 stars). 2 submissions from 2 submitters: Likely benign (2). Last evaluated 2026-01-26.

Conditions:
Ataxia-telangiectasia syndrome (AT). Also called: LOUIS-BAR SYNDROME; ATAXIA-TELANGIECTASIA, COMPLEMENTATION GROUP A; ATAXIA-TELANGIECTASIA, FRESNO VARIANT; Ataxia-telangiectasia; Ataxia telangiectasia (A-T); Cerebello-oculocutaneous telangiectasia. Identifiers: Orphanet 100, MedGen C0004135, MONDO:0008840, OMIM 208900.

Allele frequency attached by ClinVar (database versions not stated): gnomAD exomes below 0.00001.
gnomAD v4.1: 1 of 1,613,630 alleles (0.000062%); highest among the groups gnomAD compares: Non-Finnish European, 0.000085%; no homozygotes.

Submissions (2):

Labcorp Genetics (formerly Invitae), Labcorp
Classification: Likely benign for Ataxia-telangiectasia syndrome. Last evaluated: 2026-01-26. Review status: criteria provided, single submitter. Criteria: Invitae Variant Classification Sherloc (09022015). Collection method: clinical testing. Allele origin: germline.

GeneDx
Classification: Likely benign. Last evaluated: 2015-11-17. Review status: criteria provided, single submitter. Criteria: GeneDx Variant Classification (06012015). Collection method: clinical testing. Allele origin: germline. Affected: yes.
Comment: This variant is considered likely benign or benign based on one or more of the following criteria: it is a conservative change, it occurs at a poorly conserved position in the protein, it is predicted to be benign by multiple in silico algorithms, and/or has population frequency not consistent with disease.

NM_000051.4(ATM):c.3993+12A>G

Gene: ATM (ATM serine/threonine kinase; plus strand). Cytogenetic location: 11q22.3.
Variant type: single nucleotide variant.
Coding change: c.3993+12A>G on transcript NM_000051.4 (MANE Select); 12 bases into the intron after coding-DNA position 3993, A replaced by G.
Molecular consequence: intron variant.
Genome position (GRCh38, 1-based): chr11:108,284,485, A>G. VCF-style: chr11-108284485-A-G. GRCh37 (hg19) VCF-style: chr11-108155212-A-G.
Other names: c.3993+12A>G (NM_001351834.2).
Identifiers: ClinVar variation 379709 (VCV000379709.8), dbSNP rs1057520703, ClinGen allele CA16606808.